The following is an entry in ClinVar:

ClinVar aggregate classification (germline): Uncertain significance (1 of 4 stars; one submission).

Submission:

Ambry Genetics
Classification: Uncertain significance. Last evaluated: 2024-11-03. Review status: criteria provided, single submitter. Criteria: Ambry Variant Classification Scheme 2023. Collection method: clinical testing. Allele origin: germline.
Comment: The p.D837V variant (also known as c.2510A>T), located in coding exon 1 of the MLH3 gene, results from an A to T substitution at nucleotide position 2510. The aspartic acid at codon 837 is replaced by valine, an amino acid with highly dissimilar properties. This amino acid position is conserved. In addition, this alteration is predicted to be tolerated by in silico analysis. Since supporting evidence is limited at this time, the clinical significance of this alteration remains unclear.

NM_001040108.2(MLH3):c.2510A>T (p.Asp837Val)

Gene: MLH3 (mutL homolog 3; minus strand). Cytogenetic location: 14q24.3.
Variant type: single nucleotide variant.
Coding change: c.2510A>T on transcript NM_001040108.2 (MANE Select); coding-DNA position 2510, A replaced by T.
Protein change: p.Asp837Val; replaces aspartic acid 837 with valine.
Molecular consequence: missense variant.
Genome position (GRCh38, 1-based): chr14:75,047,146, T>A on the plus strand (A>T on the coding strand, the complement: MLH3 is on the minus strand). VCF-style: chr14-75047146-T-A. GRCh37 (hg19) VCF-style: chr14-75513849-T-A.
Other names: c.2510A>T, p.Asp837Val (NM_014381.3); short protein forms D837V.
Identifiers: ClinVar variation 1792395 (VCV001792395.3), dbSNP rs1892296193, ClinGen allele CA390440094.